The following is an entry in ClinVar:

ClinVar aggregate classification (germline): Uncertain significance (1 of 4 stars; one submission).

Conditions:
Progressive encephalopathy with leukodystrophy due to DECR deficiency. Identifiers: Orphanet 431361, MedGen C1857252, MONDO:0014464, OMIM 616034.

Submission:

Labcorp Genetics (formerly Invitae), Labcorp
Classification: Uncertain significance for Progressive encephalopathy with leukodystrophy due to DECR deficiency. Last evaluated: 2021-12-27. Review status: criteria provided, single submitter. Criteria: Invitae Variant Classification Sherloc (09022015). Collection method: clinical testing. Allele origin: germline.
Comment: A copy number gain of the genomic region encompassing the full coding sequence of the NADK2 gene has been identified. The boundaries of this event are unknown as they extend beyond the assayed region for this gene and therefore may encompass additional genes. As the precise location of this event is unknown, it may be in tandem or it may be located elsewhere in the genome. This variant has not been reported in the literature in individuals affected with NADK2-related conditions. In summary, the available evidence is currently insufficient to determine the role of this variant in disease. Therefore, it has been classified as a Variant of Uncertain Significance.

NC_000005.9:g.(?_36195246)_(36241900_?)dup

Gene: NADK2 (NAD kinase 2, mitochondrial; minus strand). Cytogenetic location: 5p13.2.
Variant type: Duplication.
Identifiers: ClinVar variation 2423680 (VCV002423680.3).